The following is an entry in ClinVar:

ClinVar aggregate classification (germline): Conflicting classifications of pathogenicity. Review status: criteria provided, conflicting classifications (1 of 4 stars). 3 submissions from 3 submitters: Uncertain significance (2); Likely benign (1). Last evaluated 2022-01-06.

Conditions:
Ataxia-telangiectasia syndrome (AT). Also called: Ataxia telangiectasia (A-T); Ataxia-telangiectasia, complementation group D; ATAXIA-TELANGIECTASIA, COMPLEMENTATION GROUP A; ATAXIA-TELANGIECTASIA, FRESNO VARIANT; Cerebello-oculocutaneous telangiectasia; Immunodeficiency with ataxia telangiectasia. Identifiers: Orphanet 100, MedGen C0004135, MONDO:0008840, OMIM 208900.
Hereditary cancer-predisposing syndrome. Also called: Neoplastic Syndromes, Hereditary; Hereditary Cancer Syndrome; Tumor predisposition; Hereditary neoplastic syndrome. Identifiers: Orphanet 140162, MedGen C0027672, MeSH D009386, MONDO:0015356.

Allele frequency attached by ClinVar (database versions not stated): gnomAD exomes below 0.00001.
gnomAD v4.1: 1 of 1,610,926 alleles (0.000062%); highest among the groups gnomAD compares: Admixed American, 0.0017%; no homozygotes.

Submissions (3):

Sema4
Classification: Uncertain significance for Hereditary cancer-predisposing syndrome. Last evaluated: 2022-01-06. Review status: criteria provided, single submitter. Criteria: Sema4 Curation Guidelines. Collection method: curation. Allele origin: germline.
Comment: The ATM c.4436+3A>G variant has not been reported in the literature to our knowledge. It was not observed in the large and broad cohorts of the Genome Aggregation Database (PMID: 32461654), and has not been reported in ClinVar. Functional studies have not been performed, and in silico predictions of the variant's effect on splicing are inconclusive. The evidence is insufficient to meet ACMG/AMP criteria for classifying the variant as benign or pathogenic. Thus, the clinical significance of this variant is currently uncertain.

Labcorp Genetics (formerly Invitae), Labcorp
Classification: Uncertain significance for Ataxia-telangiectasia syndrome. Last evaluated: 2021-06-02. Review status: criteria provided, single submitter. Criteria: Invitae Variant Classification Sherloc (09022015). Collection method: clinical testing. Allele origin: germline.
Comment: This sequence change falls in intron 29 of the ATM gene. It does not directly change the encoded amino acid sequence of the ATM protein. It affects a nucleotide within the consensus splice site of the intron. This variant is not present in population databases (ExAC no frequency). This variant has not been reported in the literature in individuals with ATM-related conditions. Nucleotide substitutions within the consensus splice site are a relatively common cause of aberrant splicing (PMID: 17576681, 9536098). Algorithms developed to predict the effect of sequence changes on RNA splicing suggest that this variant may disrupt the consensus splice site, but this prediction has not been confirmed by published transcriptional studies. In summary, the available evidence is currently insufficient to determine the role of this variant in disease. Therefore, it has been classified as a Variant of Uncertain Significance.

Ambry Genetics
Classification: Likely benign for Hereditary cancer-predisposing syndrome. Last evaluated: 2020-12-04. Review status: criteria provided, single submitter. Criteria: Ambry Variant Classification Scheme 2023. Collection method: clinical testing. Allele origin: germline.

Literature cited by the submitters: PubMed 17576681 (cited by Labcorp Genetics (formerly Invitae), Labcorp); PubMed 9536098 (cited by Labcorp Genetics (formerly Invitae), Labcorp).

NM_000051.4(ATM):c.4436+3A>G

Gene: ATM (ATM serine/threonine kinase; plus strand). Cytogenetic location: 11q22.3.
Variant type: single nucleotide variant.
Coding change: c.4436+3A>G on transcript NM_000051.4 (MANE Select); 3 bases into the intron after coding-DNA position 4436, A replaced by G.
Molecular consequence: intron variant.
Genome position (GRCh38, 1-based): chr11:108,289,804, A>G. VCF-style: chr11-108289804-A-G. GRCh37 (hg19) VCF-style: chr11-108160531-A-G.
Other names: c.4436+3A>G (NM_001351834.2).
Identifiers: ClinVar variation 1692726 (VCV001692726.5), dbSNP rs2082686950, ClinGen allele CA2515608700.